The following is an entry in ClinVar:

ClinVar aggregate classification (germline): Uncertain significance. Review status: criteria provided, multiple submitters, no conflicts (2 of 4 stars). 2 submissions from 2 submitters: Uncertain significance (2). Last evaluated 2025-02-11.

Conditions:
Inborn genetic diseases. Identifiers: MedGen C0950123, MeSH D030342.

Allele frequency attached by ClinVar (database versions not stated): ExAC 0.00003; gnomAD 0.00003 and 0.00004; gnomAD exomes 0.00004 and 0.00011; TOPMed 0.00006; ESP Exome Variant Server 0.00009.
gnomAD v4.1: 117 of 1,209,839 alleles (0.0097%); highest among the groups gnomAD compares: Non-Finnish European, 0.013%; no homozygotes.

Submissions (2):

Ambry Genetics
Classification: Uncertain significance for Inborn genetic diseases. Last evaluated: 2025-02-11. Review status: criteria provided, single submitter. Criteria: Ambry Variant Classification Scheme 2023. Collection method: clinical testing. Allele origin: germline.

Labcorp Genetics (formerly Invitae), Labcorp
Classification: Uncertain significance. Last evaluated: 2024-02-10. Review status: criteria provided, single submitter. Criteria: Invitae Variant Classification Sherloc (09022015). Collection method: clinical testing. Allele origin: germline.
Comment: This sequence change replaces aspartic acid, which is acidic and polar, with glycine, which is neutral and non-polar, at codon 687 of the FRMD7 protein (p.Asp687Gly). This variant is present in population databases (rs369513628, gnomAD 0.007%). This variant has not been reported in the literature in individuals affected with FRMD7-related conditions. ClinVar contains an entry for this variant (Variation ID: 1396542). An algorithm developed to predict the effect of missense changes on protein structure and function (PolyPhen-2) suggests that this variant is likely to be disruptive. In summary, the available evidence is currently insufficient to determine the role of this variant in disease. Therefore, it has been classified as a Variant of Uncertain Significance.

NM_194277.3(FRMD7):c.2060A>G (p.Asp687Gly)

Gene: FRMD7 (FERM domain containing 7; minus strand). Cytogenetic location: Xq26.2.
Variant type: single nucleotide variant.
Coding change: c.2060A>G on transcript NM_194277.3 (MANE Select); coding-DNA position 2060, A replaced by G.
Protein change: p.Asp687Gly; replaces aspartic acid 687 with glycine.
Molecular consequence: missense variant.
Genome position (GRCh38, 1-based): chrX:132,077,957, T>C on the plus strand (A>G on the coding strand, the complement: FRMD7 is on the minus strand). VCF-style: chrX-132077957-T-C. GRCh37 (hg19) VCF-style: chrX-131211985-T-C.
Other names: c.2015A>G, p.Asp672Gly (NM_001306193.2); c.2060A>G (NM_194277.2); short protein forms D672G, D687G.
Identifiers: ClinVar variation 1396542 (VCV001396542.10), dbSNP rs369513628, ClinGen allele CA10518784.